The following is an entry in ClinVar:

NM_003900.5(SQSTM1):c.385G>T (p.Asp129Tyr)

Gene: SQSTM1 (sequestosome 1; plus strand). Cytogenetic location: 5q35.3.
Variant type: single nucleotide variant.
Coding change: c.385G>T on transcript NM_003900.5 (MANE Select); coding-DNA position 385, G replaced by T.
Protein change: p.Asp129Tyr; replaces aspartic acid 129 with tyrosine.
Molecular consequence: missense variant.
Genome position (GRCh38, 1-based): chr5:179,823,941, G>T. VCF-style: chr5-179823941-G-T. GRCh37 (hg19) VCF-style: chr5-179250941-G-T.
Other names: c.133G>T, p.Asp45Tyr (NM_001142298.2, NM_001142299.2); short protein forms D45Y, D129Y.
Identifiers: ClinVar variation 1493743 (VCV001493743.8), dbSNP rs753212399, ClinGen allele CA362443631.

ClinVar aggregate classification (germline): Uncertain significance (1 of 4 stars; one submission).

Conditions:
Frontotemporal dementia and/or amyotrophic lateral sclerosis 1 (FTDALS1). Also called: C9orf72 Frontotemporal Dementia and/or Amyotrophic Lateral Sclerosis; Frontotemporal dementia with motor neuron disease 1. Identifiers: Orphanet 275872, MedGen C5779877, MONDO:0007105, OMIM 105550.
Paget disease of bone 2, early-onset (PDB2). Also called: Paget disease of bone 2. Identifiers: MedGen C4085251, MONDO:0011183, OMIM 602080.

Submission:

Labcorp Genetics (formerly Invitae), Labcorp
Classification: Uncertain significance for Paget disease of bone 2, early-onset; Frontotemporal dementia and/or amyotrophic lateral sclerosis 1. Last evaluated: 2020-11-25. Review status: criteria provided, single submitter. Criteria: Invitae Variant Classification Sherloc (09022015). Collection method: clinical testing. Allele origin: germline.
Comment: Algorithms developed to predict the effect of missense changes on protein structure and function (SIFT, PolyPhen-2, Align-GVGD) all suggest that this variant is likely to be disruptive, but these predictions have not been confirmed by published functional studies and their clinical significance is uncertain. In summary, the available evidence is currently insufficient to determine the role of this variant in disease. Therefore, it has been classified as a Variant of Uncertain Significance. This variant has not been reported in the literature in individuals with SQSTM1-related conditions. This sequence change replaces aspartic acid with tyrosine at codon 129 of the SQSTM1 protein (p.Asp129Tyr). The aspartic acid residue is highly conserved and there is a large physicochemical difference between aspartic acid and tyrosine. This variant is not present in population databases (ExAC no frequency).